The following is an entry in ClinVar:

ClinVar aggregate classification (germline): Likely benign. Review status: criteria provided, multiple submitters, no conflicts (2 of 4 stars). 3 submissions from 3 submitters: Likely benign (3). Last evaluated 2026-01-07.

Conditions:
THAP11-related disorder. Also called: THAP11-related condition.

Allele frequency attached by ClinVar (database versions not stated): gnomAD 0.00050; ExAC 0.00081.

Submissions (3):

Labcorp Genetics (formerly Invitae), Labcorp
Classification: Likely benign. Last evaluated: 2026-01-07. Review status: criteria provided, single submitter. Criteria: Invitae Variant Classification Sherloc (09022015). Collection method: clinical testing. Allele origin: germline.

CeGaT Center for Human Genetics Tuebingen
Classification: Likely benign. Last evaluated: 2025-09-01. Review status: criteria provided, single submitter. Criteria: CeGaT Center For Human Genetics Tuebingen Variant Classification Criteria Version 2. Collection method: clinical testing. Allele origin: germline. Affected: yes. Observed: 1 variant allele.
Comment: THAP11: BP4, BP7

PreventionGenetics, part of Exact Sciences
Classification: Likely benign for THAP11-related condition. Last evaluated: 2024-12-05. Review status: criteria provided, single submitter. Criteria: ACMG Guidelines, 2015. Collection method: clinical testing. Allele origin: germline.
Comment: This variant is classified as likely benign based on ACMG/AMP sequence variant interpretation guidelines (Richards et al. 2015 PMID: 25741868, with internal and published modifications).

NM_020457.3(THAP11):c.360G>A (p.Gln120=)

Genes: CENPT (centromere protein T; minus strand), THAP11 (THAP domain containing 11; plus strand). Cytogenetic location: 16q22.1.
Variant type: single nucleotide variant.
Coding change: c.360G>A on transcript NM_020457.3 (MANE Select); coding-DNA position 360, G replaced by A.
Protein change: p.Gln120=; no amino-acid change (glutamine 120 retained).
Molecular consequence: synonymous variant. On other transcripts: intron variant (1).
Genome position (GRCh38, 1-based): chr16:67,842,914, G>A. VCF-style: chr16-67842914-G-A. GRCh37 (hg19) VCF-style: chr16-67876817-G-A.
Other names: c.-492+4487C>T (NM_025082.4); c.360G>A (NM_020457.2).
Identifiers: ClinVar variation 2047074 (VCV002047074.12), dbSNP rs768536554, ClinGen allele CA8118220.